The following is an entry in ClinVar:

NM_003995.4(NPR2):c.194G>C (p.Arg65Pro)

Gene: NPR2 (natriuretic peptide receptor 2; plus strand). Cytogenetic location: 9p13.3.
Variant type: single nucleotide variant.
Coding change: c.194G>C on transcript NM_003995.4 (MANE Select); coding-DNA position 194, G replaced by C.
Protein change: p.Arg65Pro; replaces arginine 65 with proline.
Molecular consequence: missense variant.
Genome position (GRCh38, 1-based): chr9:35,792,602, G>C. VCF-style: chr9-35792602-G-C. GRCh37 (hg19) VCF-style: chr9-35792599-G-C.
Other names: c.194G>C, p.Arg65Pro (NM_001378923.1); short protein forms R65P.
Identifiers: ClinVar variation 4788233 (VCV004788233.1).
Genomic context (GRCh38, chr9:35,792,602, plus strand): 5'-TGGGACCCGCTGTGGCACTAGCTGTGGAGGCTCTGGGCCGGGCACTGCCCGTGGACCTGC[G>C]GTTTGTCAGCTCCGAACTGGAAGGCGCCTGCTCTGAGTACCTGGCACCGCTGAGCGCTGT-3'
Protein context (NP_003986.2, residues 55-75): ALGRALPVDL[Arg65Pro]FVSSELEGAC

ClinVar aggregate classification (germline): Uncertain significance (1 of 4 stars; one submission).

Conditions:
Tall stature-scoliosis-macrodactyly of the great toes syndrome. Also called: Epiphyseal chondrodysplasia, miura type. Identifiers: Orphanet 329191, MedGen C4014690, MONDO:0014401, OMIM 615923.
Acromesomelic dysplasia 1, Maroteaux type (AMD1). Also called: ST. HELENA DYSPLASIA; ACROMESOMELIC DYSPLASIA 1. Identifiers: Orphanet 40, MedGen C1864356, MONDO:0011275, OMIM 602875.

Submission:

Labcorp Genetics (formerly Invitae), Labcorp
Classification: Uncertain significance for Tall stature-scoliosis-macrodactyly of the great toes syndrome; Acromesomelic dysplasia 1, Maroteaux type. Last evaluated: 2025-09-28. Review status: criteria provided, single submitter. Criteria: Invitae Variant Classification Sherloc (09022015). Collection method: clinical testing. Allele origin: germline.
Comment: This sequence change replaces arginine, which is basic and polar, with proline, which is neutral and non-polar, at codon 65 of the NPR2 protein (p.Arg65Pro). This variant is not present in population databases (gnomAD no frequency). This variant has not been reported in the literature in individuals affected with NPR2-related conditions. Invitae Evidence Modeling of protein sequence and biophysical properties (such as structural, functional, and spatial information, amino acid conservation, physicochemical variation, residue mobility, and thermodynamic stability) indicates that this missense variant is not expected to disrupt NPR2 protein function with a negative predictive value of 80%. In summary, the available evidence is currently insufficient to determine the role of this variant in disease. Therefore, it has been classified as a Variant of Uncertain Significance.